The following is an entry in ClinVar:

NM_001356.5(DDX3X):c.1110G>T (p.Met370Ile)

Gene: DDX3X (DEAD-box helicase 3 X-linked; plus strand). Cytogenetic location: Xp11.4.
Variant type: single nucleotide variant.
Coding change: c.1110G>T on transcript NM_001356.5 (MANE Select); coding-DNA position 1110, G replaced by T.
Protein change: p.Met370Ile; replaces methionine 370 with isoleucine.
Molecular consequence: missense variant. On other transcripts: non-coding transcript variant (1).
Genome position (GRCh38, 1-based): chrX:41,345,264, G>T. VCF-style: chrX-41345264-G-T. GRCh37 (hg19) VCF-style: chrX-41204517-G-T.
Other names: c.1110G>T, p.Met370Ile (NM_001193416.3); c.1062G>T, p.Met354Ile (NM_001193417.3); c.552G>T, p.Met184Ile (NM_001363819.1); short protein forms M184I, M354I, M370I.
Identifiers: ClinVar variation 4795431 (VCV004795431.2).

ClinVar aggregate classification (germline): Pathogenic (1 of 4 stars; one submission).

Submission:

GeneDx
Classification: Pathogenic. Last evaluated: 2026-07-19. Review status: criteria provided, single submitter. Criteria: GeneDx Variant Classification Process June 2021. Collection method: clinical testing. Allele origin: germline.
Comment: Not observed at significant frequency in large population cohorts (gnomAD); In silico analysis supports that this missense variant has a deleterious effect on protein structure/function; Has not been previously published as pathogenic or benign to our knowledge